The following is an entry in ClinVar:

NM_005228.5(EGFR):c.3551A>G (p.Asn1184Ser)

Gene: EGFR (epidermal growth factor receptor; plus strand). Cytogenetic location: 7p11.2.
Variant type: single nucleotide variant.
Coding change: c.3551A>G on transcript NM_005228.5 (MANE Select); coding-DNA position 3551, A replaced by G.
Protein change: p.Asn1184Ser; replaces asparagine 1184 with serine.
Molecular consequence: missense variant.
Genome position (GRCh38, 1-based): chr7:55,205,535, A>G. VCF-style: chr7-55205535-A-G. GRCh37 (hg19) VCF-style: chr7-55273228-A-G.
Other names: c.3416A>G, p.Asn1139Ser (NM_001346899.2); c.3392A>G, p.Asn1131Ser (NM_001346900.2); c.2750A>G, p.Asn917Ser (NM_001346941.2); short protein forms N1139S, N1131S, N1184S, N917S.
Identifiers: ClinVar variation 860490 (VCV000860490.8), dbSNP rs779422878, ClinGen allele CA4266421.

ClinVar aggregate classification (germline): Conflicting classifications of pathogenicity. Review status: criteria provided, conflicting classifications (1 of 4 stars). 2 submissions from 2 submitters: Uncertain significance (1); Likely benign (1). Last evaluated 2025-11-10.

Conditions:
Hereditary cancer-predisposing syndrome. Also called: Tumor predisposition; Hereditary neoplastic syndrome; Neoplastic Syndromes, Hereditary; Hereditary Cancer Syndrome. Identifiers: Orphanet 140162, MedGen C0027672, MeSH D009386, MONDO:0015356.
EGFR-related lung cancer (EGFR). Identifiers: MedGen CN130014.

Allele frequency attached by ClinVar (database versions not stated): ExAC 0.00001; gnomAD 0.00001 and 0.00002; gnomAD exomes 0.00001 and 0.00002; TOPMed 0.00002.
gnomAD v4.1: 32 of 1,614,084 alleles (0.002%); highest among the groups gnomAD compares: Non-Finnish European, 0.0026%; no homozygotes.

Submissions (2):

Labcorp Genetics (formerly Invitae), Labcorp
Classification: Uncertain significance for EGFR-related lung cancer. Last evaluated: 2025-11-10. Review status: criteria provided, single submitter. Criteria: Invitae Variant Classification Sherloc (09022015). Collection method: clinical testing. Allele origin: germline.
Comment: This sequence change replaces asparagine, which is neutral and polar, with serine, which is neutral and polar, at codon 1184 of the EGFR protein (p.Asn1184Ser). This variant is present in population databases (rs779422878, gnomAD 0.002%). This variant has not been reported in the literature in individuals affected with EGFR-related conditions. ClinVar contains an entry for this variant (Variation ID: 860490). An algorithm developed to predict the effect of missense changes on protein structure and function (PolyPhen-2) suggests that this variant is likely to be disruptive. In summary, the available evidence is currently insufficient to determine the role of this variant in disease. Therefore, it has been classified as a Variant of Uncertain Significance.

Ambry Genetics
Classification: Likely benign for Hereditary cancer-predisposing syndrome. Last evaluated: 2025-02-04. Review status: criteria provided, single submitter. Criteria: Ambry Variant Classification Scheme 2023. Collection method: clinical testing. Allele origin: germline.